The following is an entry in ClinVar:

ClinVar aggregate classification (germline): Uncertain significance (1 of 4 stars; one submission).

Conditions:
Hereditary cancer-predisposing syndrome. Also called: Tumor predisposition; Neoplastic Syndromes, Hereditary; Hereditary Cancer Syndrome; Hereditary neoplastic syndrome. Identifiers: Orphanet 140162, MedGen C0027672, MeSH D009386, MONDO:0015356.

Submission:

Ambry Genetics
Classification: Uncertain significance for Hereditary cancer-predisposing syndrome. Last evaluated: 2024-09-22. Review status: criteria provided, single submitter. Criteria: Ambry Variant Classification Scheme 2023. Collection method: clinical testing. Allele origin: germline.
Comment: The p.G263C variant (also known as c.787G>T), located in coding exon 7 of the EPCAM gene, results from a G to T substitution at nucleotide position 787. The glycine at codon 263 is replaced by cysteine, an amino acid with highly dissimilar properties. This amino acid position is conserved. In addition, the in silico prediction for this alteration is inconclusive. Based on the available evidence, the clinical significance of this variant remains unclear.

NM_002354.3(EPCAM):c.787G>T (p.Gly263Cys)

Gene: EPCAM (epithelial cell adhesion molecule; plus strand). Cytogenetic location: 2p21.
Variant type: single nucleotide variant.
Coding change: c.787G>T on transcript NM_002354.3 (MANE Select); coding-DNA position 787, G replaced by T.
Protein change: p.Gly263Cys; replaces glycine 263 with cysteine.
Molecular consequence: missense variant.
Genome position (GRCh38, 1-based): chr2:47,379,898, G>T. VCF-style: chr2-47379898-G-T. GRCh37 (hg19) VCF-style: chr2-47607037-G-T.
Other names: short protein forms G263C.
Identifiers: ClinVar variation 3509185 (VCV003509185.1).